The following is an entry in ClinVar:

NM_018122.5(DARS2):c.228-14C>G

Gene: DARS2 (aspartyl-tRNA synthetase 2, mitochondrial; plus strand). Cytogenetic location: 1q25.1.
Variant type: single nucleotide variant.
Coding change: c.228-14C>G on transcript NM_018122.5 (MANE Select); 14 bases into the intron before coding-DNA position 228, C replaced by G.
Molecular consequence: intron variant.
Genome position (GRCh38, 1-based): chr1:173,828,319, C>G. VCF-style: chr1-173828319-C-G. GRCh37 (hg19) VCF-style: chr1-173797457-C-G.
Other names: c.228-14C>G (NM_001365212.1, NM_001365213.2).
Identifiers: ClinVar variation 1209400 (VCV001209400.11), dbSNP rs376561321, ClinGen allele CA1250065.

ClinVar aggregate classification (germline): Conflicting classifications of pathogenicity. Review status: criteria provided, conflicting classifications (1 of 4 stars). 2 submissions from 2 submitters: Uncertain significance (1); Benign (1). Last evaluated 2025-05-08.

Allele frequency attached by ClinVar (database versions not stated): 1000 Genomes Project 0.00140.
gnomAD v4.1: 125 of 1,353,260 alleles (0.0092%); highest among the groups gnomAD compares: East Asian, 0.25%; 1 homozygote.

Submissions (2):

Labcorp Genetics (formerly Invitae), Labcorp
Classification: Benign. Last evaluated: 2025-05-08. Review status: criteria provided, single submitter. Criteria: Invitae Variant Classification Sherloc (09022015). Collection method: clinical testing. Allele origin: germline.

GeneDx
Classification: Uncertain significance. Last evaluated: 2019-08-29. Review status: criteria provided, single submitter. Criteria: GeneDx Variant Classification Process June 2021. Collection method: clinical testing. Allele origin: germline. Affected: yes.
Comment: Has not been previously published as pathogenic or benign to our knowledge; In-silico analysis, which includes splice predictors and evolutionary conservation, is inconclusive as to whether the variant alters gene splicing. In the absence of RNA/functional studies, the actual effect of this sequence change is unknown.